The following is an entry in ClinVar:

NM_006614.4(CHL1):c.1034-4C>T

Gene: CHL1 (cell adhesion molecule L1 like; plus strand). Cytogenetic location: 3p26.3.
Variant type: single nucleotide variant.
Coding change: c.1034-4C>T on transcript NM_006614.4 (MANE Select); 4 bases into the intron before coding-DNA position 1034, C replaced by T.
Molecular consequence: intron variant.
Genome position (GRCh38, 1-based): chr3:354,636, C>T. VCF-style: chr3-354636-C-T. GRCh37 (hg19) VCF-style: chr3-396319-C-T.
Other names: c.986-4C>T (NM_001253387.2); c.1034-4C>T (NM_001253388.1).
Identifiers: ClinVar variation 763543 (VCV000763543.5), dbSNP rs568829542, ClinGen allele CA2224576.

ClinVar aggregate classification (germline): Likely benign. Review status: criteria provided, single submitter (1 of 4 stars). 2 submissions from 2 submitters: Likely benign (1). 1 of the submissions does not count toward it. Last evaluated 2018-07-19.

Conditions:
CHL1-related disorder. Also called: CHL1-related condition.

Allele frequency attached by ClinVar (database versions not stated): gnomAD exomes below 0.00001 and 0.00002; ExAC 0.00002; gnomAD 0.00003 and 0.00004; TOPMed 0.00008; 1000 Genomes Project 0.00020; 1000 Genomes Project 30x 0.00031.
gnomAD v4.1: 12 of 1,610,146 alleles (0.00075%); highest among the groups gnomAD compares: African/African-American, 0.012%; no homozygotes.

Submissions (2):

Labcorp Genetics (formerly Invitae), Labcorp
Classification: Likely benign. Last evaluated: 2018-07-19. Review status: criteria provided, single submitter. Criteria: Invitae Variant Classification Sherloc (09022015). Collection method: clinical testing. Allele origin: germline.

PreventionGenetics, part of Exact Sciences
Classification: Likely benign for CHL1-related condition. Last evaluated: 2019-08-28. Review status: no assertion criteria provided. Collection method: clinical testing. Allele origin: germline. Not counted in ClinVar's aggregate classification.
Comment: This variant is classified as likely benign based on ACMG/AMP sequence variant interpretation guidelines (Richards et al. 2015 PMID: 25741868, with internal and published modifications).